The following is an entry in ClinVar:

NM_001572.5(IRF7):c.184-4T>G

Gene: IRF7 (interferon regulatory factor 7; minus strand). Cytogenetic location: 11p15.5.
Variant type: single nucleotide variant.
Coding change: c.184-4T>G on transcript NM_001572.5 (MANE Select); 4 bases into the intron before coding-DNA position 184, T replaced by G.
Molecular consequence: intron variant.
Genome position (GRCh38, 1-based): chr11:615,011, A>C on the plus strand (T>G on the coding strand, the complement: IRF7 is on the minus strand). VCF-style: chr11-615011-A-C. GRCh37 (hg19) VCF-style: chr11-615011-A-C.
Other names: c.184-4T>G (NM_004029.4); c.223-4T>G (NM_004031.4, NM_004031.2).
Identifiers: ClinVar variation 1115512 (VCV001115512.11), dbSNP rs12272434, ClinGen allele CA5784050.

ClinVar aggregate classification (germline): Likely benign. Review status: criteria provided, single submitter (1 of 4 stars). 2 submissions from 2 submitters: Likely benign (1). 1 of the submissions does not count toward it. Last evaluated 2026-01-05.

Conditions:
Immunodeficiency 39 (IMD39). Identifiers: Orphanet 574918, MedGen C4225358, MONDO:0014597, OMIM 616345.
IRF7-related disorder. Also called: IRF7-related condition.

Allele frequency attached by ClinVar (database versions not stated): 1000 Genomes Project 30x 0.00062.

Submissions (2):

Labcorp Genetics (formerly Invitae), Labcorp
Classification: Likely benign for Immunodeficiency 39. Last evaluated: 2026-01-05. Review status: criteria provided, single submitter. Criteria: Invitae Variant Classification Sherloc (09022015). Collection method: clinical testing. Allele origin: germline.

PreventionGenetics, part of Exact Sciences
Classification: Likely benign for IRF7-related condition. Last evaluated: 2020-01-02. Review status: no assertion criteria provided. Collection method: clinical testing. Allele origin: germline. Not counted in ClinVar's aggregate classification.
Comment: This variant is classified as likely benign based on ACMG/AMP sequence variant interpretation guidelines (Richards et al. 2015 PMID: 25741868, with internal and published modifications).